The following is an entry in ClinVar:

NM_015915.5(ATL1):c.44C>T (p.Ser15Leu)

Gene: ATL1 (atlastin GTPase 1; plus strand). Cytogenetic location: 14q22.1.
Variant type: single nucleotide variant.
Coding change: c.44C>T on transcript NM_015915.5 (MANE Select); coding-DNA position 44, C replaced by T.
Protein change: p.Ser15Leu; replaces serine 15 with leucine.
Molecular consequence: missense variant.
Genome position (GRCh38, 1-based): chr14:50,587,840, C>T. VCF-style: chr14-50587840-C-T. GRCh37 (hg19) VCF-style: chr14-51054558-C-T.
Other names: c.44C>T (NM_015915.4); c.44C>T, p.Ser15Leu (NM_001127713.1, NM_181598.4); short protein forms S15L.
Identifiers: ClinVar variation 1431090 (VCV001431090.7), dbSNP rs772206990, ClinGen allele CA7180163.

ClinVar aggregate classification (germline): Conflicting classifications of pathogenicity. Review status: criteria provided, conflicting classifications (1 of 4 stars). 2 submissions from 2 submitters: Uncertain significance (1); Likely benign (1). Last evaluated 2025-09-02.

Conditions:
Inborn genetic diseases. Identifiers: MedGen C0950123, MeSH D030342.
Hereditary spastic paraplegia 3A (SPG3A). Also called: SPASTIC PARAPLEGIA 3, AUTOSOMAL DOMINANT; FAMILIAL SPASTIC PARAPLEGIA, AUTOSOMAL DOMINANT, 1; SPG3; STRUMPELL DISEASE; Spastic paraplegia 3A, autosomal dominant; Spastic Paraplegia 3A. Identifiers: Orphanet 100984, MedGen C2931355, MONDO:0008437, OMIM 182600.

Allele frequency attached by ClinVar (database versions not stated): ExAC 0.00001; gnomAD exomes 0.00001 and 0.00003; gnomAD 0.00002; TOPMed 0.00002.
gnomAD v4.1: 14 of 1,613,980 alleles (0.00087%); highest among the groups gnomAD compares: East Asian, 0.011%; no homozygotes.

Submissions (2):

Labcorp Genetics (formerly Invitae), Labcorp
Classification: Uncertain significance for Hereditary spastic paraplegia 3A. Last evaluated: 2025-09-02. Review status: criteria provided, single submitter. Criteria: Invitae Variant Classification Sherloc (09022015). Collection method: clinical testing. Allele origin: germline.
Comment: This sequence change replaces serine, which is neutral and polar, with leucine, which is neutral and non-polar, at codon 15 of the ATL1 protein (p.Ser15Leu). This variant is present in population databases (rs772206990, gnomAD 0.03%). This variant has not been reported in the literature in individuals affected with ATL1-related conditions. ClinVar contains an entry for this variant (Variation ID: 1431090). Invitae Evidence Modeling of protein sequence and biophysical properties (such as structural, functional, and spatial information, amino acid conservation, physicochemical variation, residue mobility, and thermodynamic stability) has been performed for this missense variant. However, the output from this modeling did not meet the statistical confidence thresholds required to predict the impact of this variant on ATL1 protein function. In summary, the available evidence is currently insufficient to determine the role of this variant in disease. Therefore, it has been classified as a Variant of Uncertain Significance.

Ambry Genetics
Classification: Likely benign for Inborn genetic diseases. Last evaluated: 2023-07-19. Review status: criteria provided, single submitter. Criteria: Ambry Variant Classification Scheme 2023. Collection method: clinical testing. Allele origin: germline.